The following is an entry in ClinVar:

NM_033380.3(COL4A5):c.2474G>A (p.Gly825Glu)

Gene: COL4A5 (collagen type IV alpha 5 chain; plus strand). Cytogenetic location: Xq22.3.
Variant type: single nucleotide variant.
Coding change: c.2474G>A on transcript NM_033380.3 (MANE Select); coding-DNA position 2474, G replaced by A.
Protein change: p.Gly825Glu; replaces glycine 825 with glutamic acid.
Molecular consequence: missense variant.
Genome position (GRCh38, 1-based): chrX:108,614,989, G>A. VCF-style: chrX-108614989-G-A. GRCh37 (hg19) VCF-style: chrX-107858219-G-A.
Other names: c.2474G>A, p.Gly825Glu (NM_000495.5); short protein forms G825E.
Identifiers: ClinVar variation 3597930 (VCV003597930.2).

ClinVar aggregate classification (germline): Pathogenic/Likely pathogenic. Review status: criteria provided, multiple submitters, no conflicts (2 of 4 stars). 2 submissions from 2 submitters: Pathogenic (1); Likely pathogenic (1). Last evaluated 2025-10-20.

Conditions:
X-linked Alport syndrome (ATS1). Also called: COL4A5-Related Nephropathy; NEPHROPATHY AND DEAFNESS, X-LINKED. Identifiers: Orphanet 63, Orphanet 88917, MedGen C4746986, MONDO:0010520, OMIM 301050.

Submissions (2):

Labcorp Genetics (formerly Invitae), Labcorp
Classification: Likely pathogenic. Last evaluated: 2025-10-20. Review status: criteria provided, single submitter. Criteria: Invitae Variant Classification Sherloc (09022015). Collection method: clinical testing. Allele origin: germline.
Comment: This sequence change replaces glycine, which is neutral and non-polar, with glutamic acid, which is acidic and polar, at codon 825 of the COL4A5 protein (p.Gly825Glu). This variant is not present in population databases (gnomAD no frequency). This missense change has been observed in individual(s) with Alport syndrome (PMID: 29204651). ClinVar contains an entry for this variant (Variation ID: 3597930). Invitae Evidence Modeling of protein sequence and biophysical properties (such as structural, functional, and spatial information, amino acid conservation, physicochemical variation, residue mobility, and thermodynamic stability) indicates that this missense variant is expected to disrupt COL4A5 protein function with a positive predictive value of 95%. This variant disrupts the triple helix domain of COL4A5. Glycine residues within the Gly-Xaa-Yaa repeats of the triple helix domain are required for the structure and stability of fibrillar collagens (PMID: 7695699, 8218237, 19344236). In COL4A5, missense variants at these glycine residues are significantly enriched in individuals with disease (PMID: 23720012, 27627812) compared to the general population (ExAC). This variant disrupts the p.Gly825 amino acid residue in COL4A5. Other variant(s) that disrupt this residue have been observed in individuals with COL4A5-related conditions (PMID: 29204651, 32939031, 33330536), which suggests that this may be a clinically significant amino acid residue. In summary, the currently available evidence indicates that the variant is pathogenic, but additional data are needed to prove that conclusively. Therefore, this variant has been classified as Likely Pathogenic.

Fulgent Genetics
Classification: Pathogenic for X-linked Alport syndrome. Last evaluated: 2024-05-30. Review status: criteria provided, single submitter. Criteria: ACMG Guidelines, 2015. Collection method: clinical testing. Allele origin: germline.

Literature cited by the submitters: PubMed 29204651 (cited by Labcorp Genetics (formerly Invitae), Labcorp); PubMed 7695699 (cited by Labcorp Genetics (formerly Invitae), Labcorp); PubMed 8218237 (cited by Labcorp Genetics (formerly Invitae), Labcorp); PubMed 19344236 (cited by Labcorp Genetics (formerly Invitae), Labcorp); PubMed 23720012 (cited by Labcorp Genetics (formerly Invitae), Labcorp); PubMed 27627812 (cited by Labcorp Genetics (formerly Invitae), Labcorp); PubMed 32939031 (cited by Labcorp Genetics (formerly Invitae), Labcorp); PubMed 33330536 (cited by Labcorp Genetics (formerly Invitae), Labcorp).